The following is an entry in ClinVar:

NM_014850.4(SRGAP3):c.858A>T (p.Ser286=)

Gene: SRGAP3 (SLIT-ROBO Rho GTPase activating protein 3; minus strand). Cytogenetic location: 3p25.3.
Variant type: single nucleotide variant.
Coding change: c.858A>T on transcript NM_014850.4 (MANE Select); coding-DNA position 858, A replaced by T.
Protein change: p.Ser286=; no amino-acid change (serine 286 retained).
Molecular consequence: synonymous variant.
Genome position (GRCh38, 1-based): chr3:9,058,416, T>A on the plus strand (A>T on the coding strand, the complement: SRGAP3 is on the minus strand). VCF-style: chr3-9058416-T-A. GRCh37 (hg19) VCF-style: chr3-9100100-T-A.
Other names: c.858A>T, p.Ser286= (NM_001033117.3).
Identifiers: ClinVar variation 3033934 (VCV003033934.2), dbSNP rs759170968, ClinGen allele CA2238014.

ClinVar aggregate classification (germline): Likely benign (0 of 4 stars; one submission).

Conditions:
SRGAP3-related disorder. Also called: SRGAP3-related condition.

Allele frequency attached by ClinVar (database versions not stated): TOPMed 0.00002; gnomAD exomes 0.00003; ExAC 0.00007.
gnomAD v4.1: 20 of 1,614,188 alleles (0.0012%); highest among the groups gnomAD compares: Admixed American, 0.033%; no homozygotes.

Submission:

PreventionGenetics, part of Exact Sciences
Classification: Likely benign for SRGAP3-related condition. Last evaluated: 2019-06-11. Review status: no assertion criteria provided. Collection method: clinical testing. Allele origin: germline.
Comment: This variant is classified as likely benign based on ACMG/AMP sequence variant interpretation guidelines (Richards et al. 2015 PMID: 25741868, with internal and published modifications).